The following is an entry in ClinVar:

ClinVar aggregate classification (germline): Pathogenic. Review status: criteria provided, multiple submitters, no conflicts (2 of 4 stars). 3 submissions from 3 submitters: Pathogenic (3). Last evaluated 2025-09-22.

Conditions:
Multiple congenital exostosis (EXT). Also called: Hereditary multiple osteochondromas; MULTIPLE CARTILAGINOUS EXOSTOSES; Multiple exostoses; Multiple osteochondromas; Hereditary multiple exostoses; Hereditary multiple exostosis. Identifiers: Orphanet 321, MedGen C0015306, MONDO:0005508, HP:0002762.
EXT1-related disorders.

Submissions (3):

Labcorp Genetics (formerly Invitae), Labcorp
Classification: Pathogenic for Multiple congenital exostosis. Last evaluated: 2025-09-22. Review status: criteria provided, single submitter. Criteria: Invitae Variant Classification Sherloc (09022015). Collection method: clinical testing. Allele origin: germline.
Comment: This sequence change creates a premature translational stop signal (p.Trp582*) in the EXT1 gene. It is expected to result in an absent or disrupted protein product. Loss-of-function variants in EXT1 are known to be pathogenic (PMID: 10679937, 11391482, 19810120). This variant is not present in population databases (gnomAD no frequency). This premature translational stop signal has been observed in individual(s) with hereditary multiple osteochondromatosis (PMID: 11432960, 19810120). Invitae Evidence Modeling of clinical and family history, age, sex, and reported ancestry of multiple individuals with this EXT1 variant has been performed. This variant is expected to be pathogenic with a positive predictive value of at least 99%. This is a validated machine learning model that incorporates the clinical features of 66,185 individuals referred to our laboratory for EXT1 testing. ClinVar contains an entry for this variant (Variation ID: 817515). For these reasons, this variant has been classified as Pathogenic.

GeneDx
Classification: Pathogenic. Last evaluated: 2025-08-02. Review status: criteria provided, single submitter. Criteria: GeneDx Variant Classification Process June 2021. Collection method: clinical testing. Allele origin: germline. Affected: yes.
Comment: Nonsense variant predicted to result in protein truncation or nonsense mediated decay in a gene for which loss of function is a known mechanism of disease; Not observed at significant frequency in large population cohorts (gnomAD); This variant is associated with the following publications: (PMID: 19810120, 25525159, 30806661, 11432960)

Blueprint Genetics
Classification: Pathogenic for EXT1-related disorders. Last evaluated: 2020-09-14. Review status: criteria provided, single submitter. Criteria: ACMG Guidelines, 2015. Collection method: clinical testing. Allele origin: germline. Affected: yes. Observed: 1 variant allele.

Literature cited by the submitters: PubMed 10679937 (cited by Labcorp Genetics (formerly Invitae), Labcorp); PubMed 11391482 (cited by Labcorp Genetics (formerly Invitae), Labcorp); PubMed 19810120 (cited by Labcorp Genetics (formerly Invitae), Labcorp); PubMed 11432960 (cited by Labcorp Genetics (formerly Invitae), Labcorp).

NM_000127.3(EXT1):c.1746G>A (p.Trp582Ter)

Gene: EXT1 (exostosin glycosyltransferase 1; minus strand). Cytogenetic location: 8q24.11.
Variant type: single nucleotide variant.
Coding change: c.1746G>A on transcript NM_000127.3 (MANE Select); coding-DNA position 1746, G replaced by A.
Protein change: p.Trp582Ter; replaces tryptophan 582 with a stop codon.
Molecular consequence: nonsense.
Genome position (GRCh38, 1-based): chr8:117,807,354, C>T on the plus strand (G>A on the coding strand, the complement: EXT1 is on the minus strand). VCF-style: chr8-117807354-C-T. GRCh37 (hg19) VCF-style: chr8-118819593-C-T.
Other names: short protein forms W582*.
Identifiers: ClinVar variation 817515 (VCV000817515.8), dbSNP rs1586990398, ClinGen allele CA371878588.